The following is an entry in ClinVar:

ClinVar aggregate classification (germline): Uncertain significance (1 of 4 stars; one submission).

Submission:

Women's Health and Genetics/Laboratory Corporation of America, LabCorp
Classification: Uncertain significance. Last evaluated: 2022-03-29. Review status: criteria provided, single submitter. Criteria: LabCorp Variant Classification Summary - May 2015. Collection method: clinical testing. Allele origin: germline.
Comment: Variant summary: The variant identified by MLPA or other technology involves the duplication of exons 1-3 in the MAK gene. A presumed nomenclature of c.(?_-230)_(278+1_279-1)dup has been designated for the purposes of this classification. It has been assumed that this is a tandem duplication in direct orientation (Richardson_GIM_2018, Newman_AJHG_2015). The variant was absent in 20176 control chromosomes (gnomAD, Structural Variants dataset). The available data on variant occurrences in the general population are insufficient to allow any conclusion about variant significance. To our knowledge, no occurrence of c.(?_-230)_(278+1_279-1)dup in individuals affected with Retinitis Pigmentosa and no experimental evidence demonstrating its impact on protein function have been reported. No clinical diagnostic laboratories have submitted clinical-significance assessments for this variant to ClinVar after 2014. Based on the evidence outlined above, the variant was classified as uncertain significance.

NC_000006.11:g.(10813957_10818082)_(10831111_?)dup

Gene: MAK (male germ cell associated kinase; minus strand). Cytogenetic location: 6p24.2.
Variant type: Duplication.
Identifiers: ClinVar variation 1677215 (VCV001677215.1).